The following is an entry in ClinVar:

NM_001018115.3(FANCD2):c.3169A>G (p.Ile1057Val)

Genes: FANCD2 (FA complementation group D2; plus strand), FANCD2OS (FANCD2 opposite strand; minus strand). Cytogenetic location: 3p25.3.
Variant type: single nucleotide variant.
Coding change: c.3169A>G on transcript NM_001018115.3 (MANE Select); coding-DNA position 3169, A replaced by G.
Protein change: p.Ile1057Val; replaces isoleucine 1057 with valine.
Molecular consequence: missense variant. On other transcripts: 3 prime UTR variant (1).
Genome position (GRCh38, 1-based): chr3:10,081,409, A>G. VCF-style: chr3-10081409-A-G. GRCh37 (hg19) VCF-style: chr3-10123093-A-G.
Other names: c.*166T>C (NM_173472.2); c.3169A>G, p.Ile1057Val (NM_001319984.2, NM_001374254.1, NM_033084.6); c.3058A>G, p.Ile1020Val (NM_001374253.1); short protein forms I1020V, I1057V.
Identifiers: ClinVar variation 2037660 (VCV002037660.1), dbSNP rs570454054, ClinGen allele CA2250295.

ClinVar aggregate classification (germline): Uncertain significance (1 of 4 stars; one submission).

Conditions:
Fanconi anemia (FA). Also called: Fanconi's anemia. Identifiers: Orphanet 84, MedGen C0015625, MeSH D005199, MONDO:0019391.

Allele frequency attached by ClinVar (database versions not stated): ExAC 0.00002; gnomAD 0.00001; 1000 Genomes Project 30x 0.00016; 1000 Genomes Project 0.00020.
gnomAD v4.1: 2 of 1,614,170 alleles (0.00012%); highest among the groups gnomAD compares: Admixed American, 0.0017%; no homozygotes.

Submission:

Labcorp Genetics (formerly Invitae), Labcorp
Classification: Uncertain significance for Fanconi anemia. Last evaluated: 2022-02-24. Review status: criteria provided, single submitter. Criteria: Invitae Variant Classification Sherloc (09022015). Collection method: clinical testing. Allele origin: germline.
Comment: This sequence change replaces isoleucine, which is neutral and non-polar, with valine, which is neutral and non-polar, at codon 1057 of the FANCD2 protein (p.Ile1057Val). This variant is present in population databases (rs570454054, gnomAD 0.007%). This variant has not been reported in the literature in individuals affected with FANCD2-related conditions. Algorithms developed to predict the effect of missense changes on protein structure and function output the following: SIFT: "Tolerated"; PolyPhen-2: "Benign"; Align-GVGD: "Class C0". The valine amino acid residue is found in multiple mammalian species, which suggests that this missense change does not adversely affect protein function. In summary, the available evidence is currently insufficient to determine the role of this variant in disease. Therefore, it has been classified as a Variant of Uncertain Significance.